The following is an entry in ClinVar:

ClinVar aggregate classification (germline): Pathogenic/Likely pathogenic. Review status: criteria provided, multiple submitters, no conflicts (2 of 4 stars). 2 submissions from 2 submitters: Pathogenic (1); Likely pathogenic (1). Last evaluated 2024-06-24.

Conditions:
Developmental and epileptic encephalopathy, 32 (DEE32). Also called: Epileptic encephalopathy, early infantile, 32. Identifiers: Orphanet 442835, MedGen C4225350, MONDO:0014607, OMIM 616366.

Submissions (2):

Labcorp Genetics (formerly Invitae), Labcorp
Classification: Pathogenic for Developmental and epileptic encephalopathy, 32. Last evaluated: 2024-06-24. Review status: criteria provided, single submitter. Criteria: Invitae Variant Classification Sherloc (09022015). Collection method: clinical testing. Allele origin: germline.
Comment: This sequence change replaces valine, which is neutral and non-polar, with phenylalanine, which is neutral and non-polar, at codon 406 of the KCNA2 protein (p.Val406Phe). This variant is not present in population databases (gnomAD no frequency). This missense change has been observed in individual(s) with clinical features of KCNA2-related conditions (Invitae). In at least one individual the variant was observed to be de novo. ClinVar contains an entry for this variant (Variation ID: 542666). Advanced modeling of protein sequence and biophysical properties (such as structural, functional, and spatial information, amino acid conservation, physicochemical variation, residue mobility, and thermodynamic stability) performed at Invitae indicates that this missense variant is expected to disrupt KCNA2 protein function with a positive predictive value of 80%. For these reasons, this variant has been classified as Pathogenic.

Institute of Human Genetics, University of Leipzig Medical Center
Classification: Likely pathogenic for Developmental and epileptic encephalopathy, 32. Last evaluated: 2023-05-05. Review status: criteria provided, single submitter. Criteria: ACMG Guidelines, 2015. Collection method: clinical testing. Allele origin: de novo. Inheritance: Autosomal dominant inheritance. Affected: yes.
Comment: Criteria applied: PM1,PM2_SUP,PP3, PS2_MOD

NM_004974.4(KCNA2):c.1216G>T (p.Val406Phe)

Gene: KCNA2 (potassium voltage-gated channel subfamily A member 2; minus strand). Cytogenetic location: 1p13.3.
Variant type: single nucleotide variant.
Coding change: c.1216G>T on transcript NM_004974.4 (MANE Select); coding-DNA position 1216, G replaced by T.
Protein change: p.Val406Phe; replaces valine 406 with phenylalanine.
Molecular consequence: missense variant. On other transcripts: intron variant (1).
Genome position (GRCh38, 1-based): chr1:110,603,567, C>A on the plus strand (G>T on the coding strand, the complement: KCNA2 is on the minus strand). VCF-style: chr1-110603567-C-A. GRCh37 (hg19) VCF-style: chr1-111146189-C-A.
Other names: c.894+322G>T (NM_001204269.2); short protein forms V406F.
Identifiers: ClinVar variation 542666 (VCV000542666.11), dbSNP rs1553181257, ClinGen allele CA341601283.
Genomic context (GRCh38, chr1:110,603,567, plus strand): 5'-GTTCCTCTCCCTCTGTCTCCCGGTGGTAGAAGTAGTTGAAATTGGACACAATGACAGGGA[C>A]CGGTAAGGCAATAGTTAACACACCTGCAATCGCACATAGGGAACCCACTATCTTTCCCCC-3'
Protein context (NP_004965.1, residues 396-416): IAGVLTIALP[Val406Phe]PVIVSNFNYF